The following is an entry in ClinVar:

ClinVar aggregate classification (germline): Uncertain significance (1 of 4 stars; one submission).

Submission:

Labcorp Genetics (formerly Invitae), Labcorp
Classification: Uncertain significance. Last evaluated: 2021-06-13. Review status: criteria provided, single submitter. Criteria: Invitae Variant Classification Sherloc (09022015). Collection method: clinical testing. Allele origin: germline.
Comment: In summary, the available evidence is currently insufficient to determine the role of this variant in disease. Therefore, it has been classified as a Variant of Uncertain Significance. Advanced modeling of protein sequence and biophysical properties (such as structural, functional, and spatial information, amino acid conservation, physicochemical variation, residue mobility, and thermodynamic stability) performed at Invitae indicates that this missense variant is not expected to disrupt ATP2B2 protein function. This variant has not been reported in the literature in individuals with ATP2B2-related conditions. This variant is not present in population databases (ExAC no frequency). This sequence change replaces histidine with glutamine at codon 125 of the ATP2B2 protein (p.His125Gln). The histidine residue is moderately conserved and there is a small physicochemical difference between histidine and glutamine.

NM_001001331.4(ATP2B2):c.375C>A (p.His125Gln)

Gene: ATP2B2 (ATPase plasma membrane Ca2+ transporting 2; minus strand). Cytogenetic location: 3p25.3.
Variant type: single nucleotide variant.
Coding change: c.375C>A on transcript NM_001001331.4 (MANE Select); coding-DNA position 375, C replaced by A.
Protein change: p.His125Gln; replaces histidine 125 with glutamine.
Molecular consequence: missense variant.
Genome position (GRCh38, 1-based): chr3:10,410,640, G>T on the plus strand (C>A on the coding strand, the complement: ATP2B2 is on the minus strand). VCF-style: chr3-10410640-G-T. GRCh37 (hg19) VCF-style: chr3-10452324-G-T.
Other names: c.375C>A, p.His125Gln (NM_001330611.3, NM_001353564.1, NM_001363862.1 and 1 more transcripts); short protein forms H125Q.
Identifiers: ClinVar variation 1469576 (VCV001469576.8), dbSNP rs2125017372, ClinGen allele CA351777818.